The following is an entry in ClinVar:

NM_001377.3(DYNC2H1):c.7140+227G>A

Gene: DYNC2H1 (dynein cytoplasmic 2 heavy chain 1; plus strand). Cytogenetic location: 11q22.3.
Variant type: single nucleotide variant.
Coding change: c.7140+227G>A on transcript NM_001377.3 (MANE Select); 227 bases into the intron after coding-DNA position 7140, G replaced by A.
Molecular consequence: intron variant.
Genome position (GRCh38, 1-based): chr11:103,187,813, G>A. VCF-style: chr11-103187813-G-A. GRCh37 (hg19) VCF-style: chr11-103058542-G-A.
Other names: c.7140+227G>A (NM_001080463.2).
Identifiers: ClinVar variation 672995 (VCV000672995.1), dbSNP rs11225589, ClinGen allele CA227405236.

ClinVar aggregate classification (germline): Benign (1 of 4 stars; one submission).

Allele frequency attached by ClinVar (database versions not stated): gnomAD 0.03398 and 0.03648; 1000 Genomes Project 0.03854; TOPMed 0.03879; 1000 Genomes Project 30x 0.04310.
gnomAD v4.1: 5,118 of 152,176 alleles (3.4%); highest among the groups gnomAD compares: African/African-American, 12%; 291 homozygotes.

Submission:

GeneDx
Classification: Benign. Last evaluated: 2018-06-14. Review status: criteria provided, single submitter. Criteria: GeneDx Variant Classification (06012015). Collection method: clinical testing. Allele origin: germline. Affected: yes.
Comment: This variant is considered likely benign or benign based on one or more of the following criteria: it is a conservative change, it occurs at a poorly conserved position in the protein, it is predicted to be benign by multiple in silico algorithms, and/or has population frequency not consistent with disease.